The following is an entry in ClinVar:

ClinVar aggregate classification (germline): Uncertain significance (1 of 4 stars; one submission).

Conditions:
Cardiovascular phenotype. Identifiers: MedGen CN230736.

gnomAD v4.1: 3 of 1,613,992 alleles (0.00019%); highest among the groups gnomAD compares: Non-Finnish European, 0.00025%; no homozygotes.

Submission:

Ambry Genetics
Classification: Uncertain significance for Cardiovascular phenotype. Last evaluated: 2025-08-09. Review status: criteria provided, single submitter. Criteria: Ambry Variant Classification Scheme 2023. Collection method: clinical testing. Allele origin: germline.
Comment: The p.A191V variant (also known as c.572C>T), located in coding exon 6 of the TPM1 gene, results from a C to T substitution at nucleotide position 572. The alanine at codon 191 is replaced by valine, an amino acid with similar properties. This amino acid position is conserved. In addition, the in silico prediction for this alteration is inconclusive. Based on the available evidence, the clinical significance of this variant remains unclear.

NM_001018005.2(TPM1):c.572C>T (p.Ala191Val)

Gene: TPM1 (tropomyosin 1; plus strand). Cytogenetic location: 15q22.2.
Variant type: single nucleotide variant.
Coding change: c.572C>T on transcript NM_001018005.2 (MANE Select); coding-DNA position 572, C replaced by T.
Protein change: p.Ala191Val; replaces alanine 191 with valine.
Molecular consequence: missense variant. On other transcripts: non-coding transcript variant (16), intron variant (21).
Genome position (GRCh38, 1-based): chr15:63,061,721, C>T. VCF-style: chr15-63061721-C-T. GRCh37 (hg19) VCF-style: chr15-63353920-C-T.
Other names: c.572C>T, p.Ala191Val (NM_001407333.1, NM_001407338.1, NM_001365776.1 and 7 more transcripts); c.464C>T, p.Ala155Val (NM_001407341.1, NM_001365780.1, NM_001365782.1 and 3 more transcripts); c.698C>T, p.Ala233Val (NM_001365778.1, NM_001407324.1); c.639+448C>T (NM_001407336.1, NM_001018020.2, NM_001407326.1 and 10 more transcripts); c.765+448C>T (NM_001407323.1, NM_001407322.1); c.531+448C>T (NM_001330351.2, NM_001330344.2, NM_001365781.2 and 3 more transcripts); short protein forms A191V, A233V, A155V.
Identifiers: ClinVar variation 4189481 (VCV004189481.1).